The following is an entry in ClinVar:

NM_001283009.2(RTEL1):c.3640G>A (p.Ala1214Thr)

Genes: RTEL1 (regulator of telomere elongation helicase 1; plus strand), RTEL1-TNFRSF6B (RTEL1-TNFRSF6B readthrough (NMD candidate); plus strand). Cytogenetic location: 20q13.33.
Variant type: single nucleotide variant.
Coding change: c.3640G>A on transcript NM_001283009.2 (MANE Select); coding-DNA position 3640, G replaced by A.
Protein change: p.Ala1214Thr; replaces alanine 1214 with threonine.
Molecular consequence: missense variant. On other transcripts: non-coding transcript variant (1).
Genome position (GRCh38, 1-based): chr20:63,695,468, G>A. VCF-style: chr20-63695468-G-A. GRCh37 (hg19) VCF-style: chr20-62326821-G-A.
Other names: c.2971G>A, p.Ala991Thr (NM_001283010.1); c.3640G>A, p.Ala1214Thr (NM_016434.4); c.3712G>A, p.Ala1238Thr (NM_032957.5); short protein forms A1214T, A1238T, A991T.
Identifiers: ClinVar variation 1512020 (VCV001512020.7), dbSNP rs1247941163, ClinGen allele CA409686409.

ClinVar aggregate classification (germline): Uncertain significance. Review status: criteria provided, multiple submitters, no conflicts (2 of 4 stars). 2 submissions from 2 submitters: Uncertain significance (2). Last evaluated 2021-08-11.

Conditions:
Dyskeratosis congenita, autosomal recessive 5 (DKCB5). Identifiers: MedGen C3554656, MONDO:0014076, OMIM 615190.
Pulmonary fibrosis and/or bone marrow failure, Telomere-related, 3. Also called: PULMONARY FIBROSIS AND/OR BONE MARROW FAILURE SYNDROME, TELOMERE-RELATED, 3. Identifiers: Orphanet 2032, MedGen C4225346, MONDO:0014613, OMIM 616373.

Allele frequency attached by ClinVar (database versions not stated): gnomAD exomes below 0.00001; gnomAD 0.00001.
gnomAD v4.1: 6 of 1,601,628 alleles (0.00037%); highest among the groups gnomAD compares: Non-Finnish European, 0.000085%; no homozygotes.

Submissions (2):

Labcorp Genetics (formerly Invitae), Labcorp
Classification: Uncertain significance for Dyskeratosis congenita, autosomal recessive 5; Pulmonary fibrosis and/or bone marrow failure, Telomere-related, 3. Last evaluated: 2021-08-11. Review status: criteria provided, single submitter. Criteria: Invitae Variant Classification Sherloc (09022015). Collection method: clinical testing. Allele origin: germline.
Comment: In summary, the available evidence is currently insufficient to determine the role of this variant in disease. Therefore, it has been classified as a Variant of Uncertain Significance. Algorithms developed to predict the effect of missense changes on protein structure and function (SIFT, PolyPhen-2, Align-GVGD) all suggest that this variant is likely to be tolerated. This variant has not been reported in the literature in individuals affected with RTEL1-related conditions. This variant is not present in population databases (ExAC no frequency). This sequence change replaces alanine with threonine at codon 1214 of the RTEL1 protein (p.Ala1214Thr). The alanine residue is weakly conserved and there is a small physicochemical difference between alanine and threonine.

Blueprint Genetics
Classification: Uncertain significance. Last evaluated: 2020-06-08. Review status: criteria provided, single submitter. Criteria: ACMG Guidelines, 2015. Collection method: clinical testing. Allele origin: germline.